The following is an entry in ClinVar:

NM_001267550.2(TTN):c.44497G>A (p.Val14833Ile)

Gene: TTN (titin; minus strand). Cytogenetic location: 2q31.2.
Variant type: single nucleotide variant.
Coding change: c.44497G>A on transcript NM_001267550.2 (MANE Select); coding-DNA position 44497, G replaced by A.
Protein change: p.Val14833Ile; replaces valine 14833 with isoleucine.
Molecular consequence: missense variant.
Genome position (GRCh38, 1-based): chr2:178,625,324, C>T on the plus strand (G>A on the coding strand, the complement: TTN is on the minus strand). VCF-style: chr2-178625324-C-T. GRCh37 (hg19) VCF-style: chr2-179490051-C-T.
Other names: p.Val12265Ile; c.39574G>A, p.Val13192Ile (NM_001256850.1); c.17302G>A, p.Val5768Ile (NM_003319.4); c.36793G>A, p.Val12265Ile (NM_133378.4); c.17677G>A, p.Val5893Ile (NM_133432.3); c.17878G>A, p.Val5960Ile (NM_133437.4); short protein forms V13192I, V14833I, V12265I, V5768I, V5893I, V5960I.
Identifiers: ClinVar variation 516025 (VCV000516025.11), dbSNP rs373168798, ClinGen allele CA1995627.

ClinVar aggregate classification (germline): Conflicting classifications of pathogenicity. Review status: criteria provided, conflicting classifications (1 of 4 stars). 6 submissions from 6 submitters: Uncertain significance (3); Likely benign (3). Last evaluated 2026-04-13.

Conditions:
TTN-related disorder. Also called: TTN-related condition; TTN-related disease; TTN-related disorders.
Cardiovascular phenotype. Identifiers: MedGen CN230736.

Allele frequency attached by ClinVar (database versions not stated): gnomAD exomes 0.00002 and 0.00003; ExAC 0.00003; ESP Exome Variant Server 0.00008; gnomAD 0.00020 and 0.00025; TOPMed 0.00023.
gnomAD v4.1: 61 of 1,605,966 alleles (0.0038%); highest among the groups gnomAD compares: African/African-American, 0.078%; no homozygotes.

Submissions (6):

PreventionGenetics, part of Exact Sciences
Classification: Uncertain significance for TTN-related condition. Last evaluated: 2026-04-13. Review status: criteria provided, single submitter. Criteria: ACMG Guidelines, 2015. Collection method: clinical testing. Allele origin: germline.
Comment: The TTN c.44497G>A variant is predicted to result in the amino acid substitution p.Val14833Ile. To our knowledge, this variant has not been reported in the literature. This variant is reported in 0.051% of alleles in individuals of African descent in gnomAD, which may be too common to be causative. Although we suspect that this variant may be benign, at this time, the clinical significance of this variant is uncertain due to the absence of conclusive functional and genetic evidence.

Revvity Omics, Revvity
Classification: Uncertain significance. Last evaluated: 2025-05-16. Review status: criteria provided, single submitter. Criteria: ACMG Guidelines, 2015. Collection method: clinical testing. Allele origin: germline.

Molecular Diagnostic Laboratory for Inherited Cardiovascular Disease, Montreal Heart Institute
Classification: Likely benign. Last evaluated: 2025-04-09. Review status: criteria provided, single submitter. Criteria: ACMG Guidelines, 2015. Collection method: clinical testing. Allele origin: germline. Affected: no.

Mayo Clinic Laboratories, Mayo Clinic
Classification: Uncertain significance. Last evaluated: 2021-07-29. Review status: criteria provided, single submitter. Criteria: ACMG Guidelines, 2015. Collection method: clinical testing. Allele origin: germline.

Ambry Genetics
Classification: Likely benign for Cardiovascular phenotype. Last evaluated: 2020-08-17. Review status: criteria provided, single submitter. Criteria: Ambry Variant Classification Scheme 2023. Collection method: clinical testing. Allele origin: germline.

GeneDx
Classification: Likely benign. Last evaluated: 2018-03-12. Review status: criteria provided, single submitter. Criteria: GeneDx Variant Classification (06012015). Collection method: clinical testing. Allele origin: germline. Affected: yes.
Comment: This variant is considered likely benign or benign based on one or more of the following criteria: it is a conservative change, it occurs at a poorly conserved position in the protein, it is predicted to be benign by multiple in silico algorithms, and/or has population frequency not consistent with disease.